The following is an entry in ClinVar:

ClinVar aggregate classification (germline): Likely pathogenic (1 of 4 stars; one submission).

Submission:

Quest Diagnostics Nichols Institute San Juan Capistrano
Classification: Likely pathogenic. Last evaluated: 2022-08-01. Review status: criteria provided, single submitter. Criteria: ACMG/ClinGen CNV Guidelines, 2019. Collection method: clinical testing. Allele origin: unknown.
Comment: This copy number loss of 10q11.22q11.23 overlaps the recurrent 10q11.2 microdeletion region (LCR A-E) and involves several protein-coding genes, including GDF2 (OMIM 605120). Deletions overlapping with the 10q11.2 recurrent region (LCR C-D) have been reported in individuals with developmental delay and intellectual disability, as well as other features (Zhu 2019, Wang 2019, Eyries 2019, Graf 2018), with variable phenotypic expressivity and incomplete penetrance (Schwartz 2018, Stankiewicz 2012). Thus, based on review of the current literature, this copy number variant (CNV) is interpreted as likely pathogenic. References: Eyries et al., Eur Respir J. 2019 Mar 14;53(3):1801371. PMID: 30578383. Govaerts et al., Prenat Diagn. 2017 Jan;37(1):73-80. PMID: 27931090. Graf et al., Nat Commun. 2018 Apr 12;9(1):1416. PMID: 29650961. Schwartz et al., Am J Med Genet A. 2018 Jan;176(1):151-155. PMID: 29130637. Stankiewicz et al., Hum Mutat. 2012 Jan;33(1):165-79. PMID: 21948486. Wang et al., Eur Respir J. 2019 Mar 14;53(3):1801609. PMID: 30578397. Zhu et al., Genome Med. 2019 Nov 14;11(1):69. PMID: 31727138.

GRCh37/hg19 10q11.22-11.23(chr10:46225364-51874356)x1

Genes: AGAP10 (ArfGAP with GTPase domain, ankyrin repeat and PH domain 10), AGAP4 (ArfGAP with GTPase domain, ankyrin repeat and PH domain 4; minus strand), AGAP6 (ArfGAP with GTPase domain, ankyrin repeat and PH domain 6; plus strand), AGAP9 (ArfGAP with GTPase domain, ankyrin repeat and PH domain 9; minus strand), ANXA8 (annexin A8; minus strand) and 34 more. Cytogenetic location: 10q11.22-11.23.
Variant type: copy number loss.
Change: copy number 1 (one copy instead of two) of chr10:46,225,364-51,874,356 (5.65 Mb, GRCh37 coordinates, 1-based), cytogenetic band 10q11.22-11.23.
Identifiers: ClinVar variation 563792 (VCV000563792.3).